The following is an entry in ClinVar:

NM_019616.4(F7):c.499C>T (p.Pro167Ser)

Gene: F7 (coagulation factor VII; plus strand). Cytogenetic location: 13q34.
Variant type: single nucleotide variant.
Coding change: c.499C>T on transcript NM_019616.4 (MANE Select); coding-DNA position 499, C replaced by T.
Protein change: p.Pro167Ser; replaces proline 167 with serine.
Molecular consequence: missense variant. On other transcripts: non-coding transcript variant (1).
Genome position (GRCh38, 1-based): chr13:113,115,794, C>T. VCF-style: chr13-113115794-C-T. GRCh37 (hg19) VCF-style: chr13-113770108-C-T.
Other names: c.565C>T, p.Pro189Ser (NM_000131.5); c.313C>T, p.Pro105Ser (NM_001267554.2); short protein forms P105S, P189S, P167S.
Identifiers: ClinVar variation 881415 (VCV000881415.4), dbSNP rs1479693459, ClinGen allele CA388784567.

ClinVar aggregate classification (germline): Uncertain significance (1 of 4 stars; one submission).

Conditions:
Factor VII deficiency. Also called: F7 DEFICIENCY; HYPOPROCONVERTINEMIA; Factor 7 deficiency. Identifiers: MedGen C0015503, MeSH D005168, MONDO:0002244.

Allele frequency attached by ClinVar (database versions not stated): gnomAD exomes below 0.00001 and 0.00001; TOPMed 0.00001.
gnomAD v4.1: 6 of 1,613,246 alleles (0.00037%); highest among the groups gnomAD compares: Non-Finnish European, 0.00034%; no homozygotes.

Submission:

Illumina Laboratory Services, Illumina
Classification: Uncertain significance for Congenital factor VII deficiency. Last evaluated: 2017-04-28. Review status: criteria provided, single submitter. Criteria: ICSL Variant Classification Criteria 13 December 2019. Collection method: clinical testing. Allele origin: germline.
Comment: This variant was observed as part of a predisposition screen in an ostensibly healthy population. A literature search was performed for the gene, cDNA change, and amino acid change (where applicable). Publications were found based on this search. However, the evidence from the literature, in combination with allele frequency data from public databases where available, was not sufficient to rule this variant in or out of causing disease. Therefore, this variant is classified as a variant of unknown significance.

Literature cited by the submitters: PubMed 18976247.